The following is an entry in ClinVar:

ClinVar aggregate classification (germline): Pathogenic. Review status: criteria provided, multiple submitters, no conflicts (2 of 4 stars). 2 submissions from 2 submitters: Pathogenic (2). Last evaluated 2024-06-28.

Conditions:
Neurofibromatosis, type 1 (NF1). Also called: VON RECKLINGHAUSEN DISEASE; NEUROFIBROMATOSIS, TYPE I, SOMATIC; Peripheral type neurofibromatosis; Neurofibromatosis, type I. Identifiers: Orphanet 636, MedGen C0027831, MONDO:0018975, OMIM 162200. Disease mechanism: loss of function.

Submissions (2):

3billion
Classification: Pathogenic for Neurofibromatosis, type 1. Last evaluated: 2024-06-28. Review status: criteria provided, single submitter. Criteria: ACMG Guidelines, 2015. Collection method: clinical testing. Allele origin: germline. Affected: yes.
Comment: The variant is not observed in the gnomAD v4.0.0 dataset. Predicted Consequence/Location: Stop-gained (nonsense): predicted to result in a loss or disruption of normal protein function through nonsense-mediated decay (NMD) or protein truncation. Multiple pathogenic variants are reported downstream of the variant. The variant has been reported to be associated with NF1 related disorder (ClinVar ID: VCV000976085 /PMID: 23656349). Therefore, this variant is classified as Pathogenic according to the recommendation of ACMG/AMP guideline.

Institute of Human Genetics, University of Leipzig Medical Center
Classification: Pathogenic for Neurofibromatosis, type 1. Last evaluated: 2018-04-13. Review status: criteria provided, single submitter. Criteria: ACMG Guidelines, 2015. Collection method: clinical testing. Allele origin: germline. Affected: yes. Observed: 1 variant allele.

Literature cited by the submitters: PubMed 23656349 (cited by 3billion).

NM_001042492.3(NF1):c.1413del (p.Lys471_Val472insTer)

Gene: NF1 (neurofibromin 1; plus strand). Cytogenetic location: 17q11.2.
Variant type: Deletion.
Coding change: c.1413del on transcript NM_001042492.3 (MANE Select); coding-DNA position 1413, one base deleted (A; older notation c.1413delA).
Protein change: p.Lys471_Val472insTer.
Molecular consequence: frameshift variant. On other transcripts: nonsense (1).
Genome position (GRCh38, 1-based): chr17:31,214,471, A deleted; the last of 5 consecutive A bases (chr17:31,214,467-31,214,471); deleting any one gives the same sequence. VCF-style (leftmost placement, unchanged base first): chr17-31214466-GA-G. GRCh37 (hg19) VCF-style: chr17-29541484-GA-G.
Other names: c.1413del, p.Lys471_Val472insTer (NM_001128147.3); c.1413delA, p.Val472Terfs (NM_000267.4).
Identifiers: ClinVar variation 976085 (VCV000976085.2), dbSNP rs746149047, ClinGen allele CA8485786.